The following is an entry in ClinVar:

NM_003072.5(SMARCA4):c.1920G>C (p.Glu640Asp)

Gene: SMARCA4 (SWI/SNF related BAF chromatin remodeling complex subunit ATPase 4; plus strand). Cytogenetic location: 19p13.2.
Variant type: single nucleotide variant.
Coding change: c.1920G>C on transcript NM_003072.5 (MANE Select); coding-DNA position 1920, G replaced by C.
Protein change: p.Glu640Asp; replaces glutamic acid 640 with aspartic acid.
Molecular consequence: missense variant. On other transcripts: non-coding transcript variant (1).
Genome position (GRCh38, 1-based): chr19:11,003,136, G>C. VCF-style: chr19-11003136-G-C. GRCh37 (hg19) VCF-style: chr19-11113812-G-C.
Other names: c.1920G>C, p.Glu640Asp (NM_001128844.3, NM_001128845.2, NM_001128846.2 and 6 more transcripts); short protein forms E640D.
Identifiers: ClinVar variation 1782680 (VCV001782680.2), dbSNP rs773755542, ClinGen allele CA404051674.

ClinVar aggregate classification (germline): Uncertain significance (1 of 4 stars; one submission).

Conditions:
Hereditary cancer-predisposing syndrome. Also called: Neoplastic Syndromes, Hereditary; Tumor predisposition; Hereditary Cancer Syndrome; Hereditary neoplastic syndrome. Identifiers: Orphanet 140162, MedGen C0027672, MeSH D009386, MONDO:0015356.

Submission:

Ambry Genetics
Classification: Uncertain significance for Hereditary cancer-predisposing syndrome. Last evaluated: 2021-10-28. Review status: criteria provided, single submitter. Criteria: Ambry Variant Classification Scheme 2023. Collection method: clinical testing. Allele origin: germline.
Comment: The p.E640D variant (also known as c.1920G>C), located in coding exon 11 of the SMARCA4 gene, results from a G to C substitution at nucleotide position 1920. The glutamic acid at codon 640 is replaced by aspartic acid, an amino acid with highly similar properties. This amino acid position is not well conserved in available vertebrate species. In addition, this alteration is predicted to be tolerated by in silico analysis. Missense and in-frame variants in SMARCA4 are known to cause neurodevelopmental disorders; however, such associations with rhabdoid tumor predisposition syndrome including small cell carcinoma of the ovary-hypercalcemic type (SCCOHT) are exceedingly rare (Kosho T et al. Am J Med Genet C Semin Med Genet. 2014 Sep;166C(3):262-75; Jelinic P et al. Nat Genet. 2014 May;46(5):424-6). Based on the supporting evidence, the association of this alteration with Coffin-Siris syndrome is unknown; however, the association of this alteration with rhabdoid tumor predisposition syndrome is unlikely.